The following is an entry in ClinVar:

NM_003803.4(MYOM1):c.974A>G (p.Lys325Arg)

Gene: MYOM1 (myomesin 1; minus strand). Cytogenetic location: 18p11.31.
Variant type: single nucleotide variant.
Coding change: c.974A>G on transcript NM_003803.4 (MANE Select); coding-DNA position 974, A replaced by G.
Protein change: p.Lys325Arg; replaces lysine 325 with arginine.
Molecular consequence: missense variant.
Genome position (GRCh38, 1-based): chr18:3,176,090, T>C on the plus strand (A>G on the coding strand, the complement: MYOM1 is on the minus strand). VCF-style: chr18-3176090-T-C. GRCh37 (hg19) VCF-style: chr18-3176088-T-C.
Other names: c.974A>G, p.Lys325Arg (NM_019856.2); short protein forms K325R.
Identifiers: ClinVar variation 1768064 (VCV001768064.2), dbSNP rs1315037077, ClinGen allele CA401715918.

ClinVar aggregate classification (germline): Uncertain significance (1 of 4 stars; one submission).

Allele frequency attached by ClinVar (database versions not stated): gnomAD exomes below 0.00001; gnomAD 0.00001.

Submission:

Ambry Genetics
Classification: Uncertain significance. Last evaluated: 2022-10-07. Review status: criteria provided, single submitter. Criteria: Ambry Variant Classification Scheme 2023. Collection method: clinical testing. Allele origin: germline.
Comment: The p.K325R variant (also known as c.974A>G), located in coding exon 5 of the MYOM1 gene, results from an A to G substitution at nucleotide position 974. The lysine at codon 325 is replaced by arginine, an amino acid with highly similar properties. This amino acid position is conserved. In addition, the in silico prediction for this alteration is inconclusive. Since supporting evidence is limited at this time, the clinical significance of this alteration remains unclear.